The following is an entry in ClinVar:

NM_000020.3(ACVRL1):c.929_932del (p.Leu310fs)

Gene: ACVRL1 (activin A receptor like type 1; plus strand). Cytogenetic location: 12q13.13.
Variant type: Deletion.
Coding change: c.929_932del on transcript NM_000020.3 (MANE Select); coding-DNA positions 929 to 932, 4 bases deleted (TGGC; older notation c.929_932delTGGC).
Protein change: p.Leu310fs; shifts the reading frame from leucine 310.
Molecular consequence: frameshift variant.
Genome position (GRCh38, 1-based): chr12:51,915,381-51,915,384, TGGC deleted; deleting any 4 consecutive bases within chr12:51,915,380-51,915,384 gives the same sequence; the c. name uses the placement nearest the transcript's 3' end. VCF-style (leftmost placement, unchanged base first): chr12-51915379-CCTGG-C. GRCh37 (hg19) VCF-style: chr12-52309163-CCTGG-C.
Other names: c.929_932del, p.Leu310fs (NM_001077401.2); short protein forms L310fs.
Identifiers: ClinVar variation 949395 (VCV000949395.7), dbSNP rs1940808154, ClinGen allele CA1139662702.

ClinVar aggregate classification (germline): Pathogenic (1 of 4 stars; one submission).

Conditions:
Telangiectasia, hereditary hemorrhagic, type 2 (HHT2). Also called: ACVRL1-Related Hereditary Hemorrhagic Telangiectasia; Telangiectasia, hereditary hemorrhagic, type II. Identifiers: Orphanet 774, MedGen C1838163, MONDO:0010880, OMIM 600376. Disease mechanism: loss of function.

Submission:

Labcorp Genetics (formerly Invitae), Labcorp
Classification: Pathogenic for Telangiectasia, hereditary hemorrhagic, type 2. Last evaluated: 2019-08-19. Review status: criteria provided, single submitter. Criteria: Invitae Variant Classification Sherloc (09022015). Collection method: clinical testing. Allele origin: germline.
Comment: Loss-of-function variants in ACVRL1 are known to be pathogenic (PMID: 15879500). This variant has not been reported in the literature in individuals with ACVRL1-related conditions. This variant is not present in population databases (ExAC no frequency). This sequence change creates a premature translational stop signal (p.Leu310Argfs*43) in the ACVRL1 gene. It is expected to result in an absent or disrupted protein product. For these reasons, this variant has been classified as Pathogenic.

Literature cited by the submitters: PubMed 15879500.